The following is an entry in ClinVar:

NM_002691.4(POLD1):c.1109G>T (p.Ser370Ile)

Gene: POLD1 (DNA polymerase delta 1, catalytic subunit; plus strand). Cytogenetic location: 19q13.33.
Variant type: single nucleotide variant.
Coding change: c.1109G>T on transcript NM_002691.4 (MANE Select); coding-DNA position 1109, G replaced by T.
Protein change: p.Ser370Ile; replaces serine 370 with isoleucine.
Molecular consequence: missense variant. On other transcripts: non-coding transcript variant (1).
Genome position (GRCh38, 1-based): chr19:50,403,191, G>T. VCF-style: chr19-50403191-G-T. GRCh37 (hg19) VCF-style: chr19-50906448-G-T.
Other names: c.1109G>T, p.Ser370Ile (NM_001256849.1, NM_001308632.1); short protein forms S370I.
Identifiers: ClinVar variation 469173 (VCV000469173.8), dbSNP rs868850526, ClinGen allele CA309601315.

ClinVar aggregate classification (germline): Uncertain significance. Review status: criteria provided, multiple submitters, no conflicts (2 of 4 stars). 3 submissions from 3 submitters: Uncertain significance (3). Last evaluated 2023-03-07.

Conditions:
POLD1-related polyposis and colorectal cancer syndrome (CRCS10). Also called: Colorectal cancer 10; COLORECTAL CANCER, SUSCEPTIBILITY TO, ON CHROMOSOME 19q; Colorectal cancer, susceptibility to, 10. Identifiers: Orphanet 220460, MedGen C2675481, MONDO:0012953, OMIM 612591.
Familial colorectal cancer. Identifiers: MedGen CN280943, MONDO:0023113. Disease mechanism: loss of function.

Submissions (3):

GeneDx
Classification: Uncertain significance. Last evaluated: 2023-03-07. Review status: criteria provided, single submitter. Criteria: GeneDx Variant Classification Process June 2021. Collection method: clinical testing. Allele origin: germline. Affected: yes.
Comment: Not observed at significant frequency in large population cohorts (gnomAD); In silico analysis supports that this missense variant has a deleterious effect on protein structure/function; Has not been previously published as pathogenic or benign to our knowledge; This variant is associated with the following publications: (PMID: 20951805, 31867841)

Labcorp Genetics (formerly Invitae), Labcorp
Classification: Uncertain significance for POLD1-related polyposis and colorectal cancer syndrome. Last evaluated: 2022-01-28. Review status: criteria provided, single submitter. Criteria: Invitae Variant Classification Sherloc (09022015). Collection method: clinical testing. Allele origin: germline.
Comment: In summary, the available evidence is currently insufficient to determine the role of this variant in disease. Therefore, it has been classified as a Variant of Uncertain Significance. Algorithms developed to predict the effect of missense changes on protein structure and function are either unavailable or do not agree on the potential impact of this missense change (SIFT: "Tolerated"; PolyPhen-2: "Probably Damaging"; Align-GVGD: "Class C0"). ClinVar contains an entry for this variant (Variation ID: 469173). This variant has not been reported in the literature in individuals affected with POLD1-related conditions. This variant is not present in population databases (gnomAD no frequency). This sequence change replaces serine, which is neutral and polar, with isoleucine, which is neutral and non-polar, at codon 370 of the POLD1 protein (p.Ser370Ile).

Mendelics
Classification: Uncertain significance for Familial colorectal cancer. Last evaluated: 2018-07-02. Review status: criteria provided, single submitter. Criteria: Mendelics Assertion Criteria 2017. Collection method: clinical testing. Allele origin: unknown.